The following is an entry in ClinVar:

NM_014009.4(FOXP3):c.9C>G (p.Asn3Lys)

Gene: FOXP3 (forkhead box P3; minus strand). Cytogenetic location: Xp11.23.
Variant type: single nucleotide variant.
Coding change: c.9C>G on transcript NM_014009.4 (MANE Select); coding-DNA position 9, C replaced by G.
Protein change: p.Asn3Lys; replaces asparagine 3 with lysine.
Molecular consequence: missense variant.
Genome position (GRCh38, 1-based): chrX:49,258,497, G>C on the plus strand (C>G on the coding strand, the complement: FOXP3 is on the minus strand). VCF-style: chrX-49258497-G-C. GRCh37 (hg19) VCF-style: chrX-49114954-G-C.
Other names: c.9C>G, p.Asn3Lys (NM_001114377.2); short protein forms N3K.
Identifiers: ClinVar variation 1984407 (VCV001984407.6), dbSNP rs782730117, ClinGen allele CA412954388.

ClinVar aggregate classification (germline): Uncertain significance. Review status: criteria provided, multiple submitters, no conflicts (2 of 4 stars). 2 submissions from 2 submitters: Uncertain significance (2). Last evaluated 2026-09-12.

Conditions:
Insulin-dependent diabetes mellitus secretory diarrhea syndrome (IPEX). Also called: IMMUNODEFICIENCY, POLYENDOCRINOPATHY, AND ENTEROPATHY, X-LINKED; DIABETES MELLITUS, CONGENITAL INSULIN-DEPENDENT, WITH FATAL SECRETORY DIARRHEA; DIARRHEA, POLYENDOCRINOPATHY, FATAL INFECTION SYNDROME, X-LINKED; ENTEROPATHY, AUTOIMMUNE, WITH HEMOLYTIC ANEMIA AND POLYENDOCRINOPATHY; IPEX and IPEX-Like; Immunodysregulation, polyendocrinopathy, and enteropathy, X-linked. Identifiers: Orphanet 37042, MedGen C0342288, MONDO:0010580, OMIM 304790. Disease mechanism: loss of function.

Submissions (2):

GeneDx
Classification: Uncertain significance. Last evaluated: 2026-09-12. Review status: criteria provided, single submitter. Criteria: GeneDx Variant Classification Process June 2021. Collection method: clinical testing. Allele origin: germline.
Comment: Not observed at significant frequency in large population cohorts (gnomAD); In silico analysis suggests that this missense variant does not alter protein structure/function; Has not been previously published as pathogenic or benign to our knowledge

Labcorp Genetics (formerly Invitae), Labcorp
Classification: Uncertain significance for Insulin-dependent diabetes mellitus secretory diarrhea syndrome. Last evaluated: 2024-10-10. Review status: criteria provided, single submitter. Criteria: Invitae Variant Classification Sherloc (09022015). Collection method: clinical testing. Allele origin: germline.
Comment: This sequence change replaces asparagine, which is neutral and polar, with lysine, which is basic and polar, at codon 3 of the FOXP3 protein (p.Asn3Lys). This variant is not present in population databases (gnomAD no frequency). This variant has not been reported in the literature in individuals affected with FOXP3-related conditions. ClinVar contains an entry for this variant (Variation ID: 1984407). Invitae Evidence Modeling of protein sequence and biophysical properties (such as structural, functional, and spatial information, amino acid conservation, physicochemical variation, residue mobility, and thermodynamic stability) has been performed for this missense variant. However, the output from this modeling did not meet the statistical confidence thresholds required to predict the impact of this variant on FOXP3 protein function. In summary, the available evidence is currently insufficient to determine the role of this variant in disease. Therefore, it has been classified as a Variant of Uncertain Significance.